The following is an entry in ClinVar:

ClinVar aggregate classification (germline): Uncertain significance (1 of 4 stars; one submission).

Conditions:
Hereditary cancer-predisposing syndrome. Also called: Hereditary neoplastic syndrome; Neoplastic Syndromes, Hereditary; Tumor predisposition; Hereditary Cancer Syndrome. Identifiers: Orphanet 140162, MedGen C0027672, MeSH D009386, MONDO:0015356.

Submission:

Ambry Genetics
Classification: Uncertain significance for Hereditary cancer-predisposing syndrome. Last evaluated: 2025-08-27. Review status: criteria provided, single submitter. Criteria: Ambry Variant Classification Scheme 2023. Collection method: clinical testing. Allele origin: germline.
Comment: The p.G67A variant (also known as c.200G>C), located in coding exon 3 of the MUTYH gene, results from a G to C substitution at nucleotide position 200. The glycine at codon 67 is replaced by alanine, an amino acid with similar properties. This amino acid position is conserved. In addition, this alteration is predicted to be tolerated by in silico analysis. Based on the available evidence, the clinical significance of this variant remains unclear.

NM_001048174.2(MUTYH):c.116G>C (p.Gly39Ala)

Gene: MUTYH (mutY DNA glycosylase; minus strand). Cytogenetic location: 1p34.1.
Variant type: single nucleotide variant.
Coding change: c.116G>C on transcript NM_001048174.2 (MANE Select); coding-DNA position 116, G replaced by C.
Protein change: p.Gly39Ala; replaces glycine 39 with alanine.
Molecular consequence: missense variant. On other transcripts: non-coding transcript variant (5), 5 prime UTR variant (1), intron variant (5).
Genome position (GRCh38, 1-based): chr1:45,333,561, C>G on the plus strand (G>C on the coding strand, the complement: MUTYH is on the minus strand). VCF-style: chr1-45333561-C-G. GRCh37 (hg19) VCF-style: chr1-45799233-C-G.
Other names: c.191G>C, p.Gly64Ala (NM_001407069.1, NM_012222.3); c.116G>C, p.Gly39Ala (NM_001407070.1, NM_001407072.1, NM_001407080.1 and 6 more transcripts); c.119G>C, p.Gly40Ala (NM_001407071.1, NM_001407078.1, NM_001407079.1 and 2 more transcripts); c.158G>C, p.Gly53Ala (NM_001407073.1, NM_001407083.1, NM_001407085.1); c.32G>C, p.Gly11Ala (NM_001407075.1); c.149G>C, p.Gly50Ala (NM_001407077.1, NM_001293191.2); c.137G>C, p.Gly46Ala (NM_001407087.1); c.200G>C, p.Gly67Ala (NM_001128425.2); and 4 more; short protein forms G11A, G39A, G40A, G46A, G54A, G64A, G50A, G53A.
Identifiers: ClinVar variation 4113493 (VCV004113493.1).
Genomic context (GRCh38, chr1:45,333,561, plus strand): 5'-AATAGATGGTATGAGGAGACAGAGGCCTGCAATACCACCTCTTCCGGCTGCCTGGCCAGG[C>G]CTGCTGGGGCCCCAGGACACTCAGCAATCATCCCTGCACAGGCTGTGCATCAGGGTCTTG-3'
Protein context (NP_001041639.1, residues 29-49): NSQAKPSACD[Gly39Ala]LARQPEEVVL